The following is an entry in ClinVar:

ClinVar aggregate classification (germline): Uncertain significance (1 of 4 stars; one submission).

Conditions:
Primary ciliary dyskinesia. Also called: Ciliary dyskinesia. Identifiers: Orphanet 244, MedGen C0008780, MONDO:0016575, HP:0012265.

Allele frequency attached by ClinVar (database versions not stated): gnomAD exomes below 0.00001.
gnomAD v4.1: 1 of 1,614,094 alleles (0.000062%); highest among the groups gnomAD compares: Non-Finnish European, 0.000085%; no homozygotes.

Submission:

Labcorp Genetics (formerly Invitae), Labcorp
Classification: Uncertain significance for Primary ciliary dyskinesia. Last evaluated: 2023-10-22. Review status: criteria provided, single submitter. Criteria: Invitae Variant Classification Sherloc (09022015). Collection method: clinical testing. Allele origin: germline.
Comment: This sequence change replaces serine, which is neutral and polar, with proline, which is neutral and non-polar, at codon 595 of the DNAI1 protein (p.Ser595Pro). This variant is not present in population databases (gnomAD no frequency). This variant has not been reported in the literature in individuals affected with DNAI1-related conditions. Advanced modeling of protein sequence and biophysical properties (such as structural, functional, and spatial information, amino acid conservation, physicochemical variation, residue mobility, and thermodynamic stability) has been performed at Invitae for this missense variant, however the output from this modeling did not meet the statistical confidence thresholds required to predict the impact of this variant on DNAI1 protein function. In summary, the available evidence is currently insufficient to determine the role of this variant in disease. Therefore, it has been classified as a Variant of Uncertain Significance.

NM_012144.4(DNAI1):c.1783T>C (p.Ser595Pro)

Gene: DNAI1 (dynein axonemal intermediate chain 1; plus strand). Cytogenetic location: 9p13.3.
Variant type: single nucleotide variant.
Coding change: c.1783T>C on transcript NM_012144.4 (MANE Select); coding-DNA position 1783, T replaced by C.
Protein change: p.Ser595Pro; replaces serine 595 with proline.
Molecular consequence: missense variant.
Genome position (GRCh38, 1-based): chr9:34,514,704, T>C. VCF-style: chr9-34514704-T-C. GRCh37 (hg19) VCF-style: chr9-34514702-T-C.
Other names: c.1795T>C, p.Ser599Pro (NM_001281428.2); short protein forms S599P, S595P.
Identifiers: ClinVar variation 2723991 (VCV002723991.3), dbSNP rs2492127668, ClinGen allele CA373264561.
Genomic context (GRCh38, chr9:34,514,704, plus strand): 5'-CCGATGTTCATCTATGACCTGAACTCAGCCGTGGGTGATGTGGCCTGGGCGCCATACTCT[T>C]CTACTGTGTTCGCAGCAGTCACCACAGATGGGAAGGTGAGTGCCAGCGTCCTGACTTCAC-3'
Protein context (NP_036276.1, residues 585-605): VGDVAWAPYS[Ser595Pro]TVFAAVTTDG